The following is an entry in ClinVar:

NM_015295.3(SMCHD1):c.677G>A (p.Arg226His)

Gene: SMCHD1 (structural maintenance of chromosomes flexible hinge domain containing 1; plus strand). Cytogenetic location: 18p11.32.
Variant type: single nucleotide variant.
Coding change: c.677G>A on transcript NM_015295.3 (MANE Select); coding-DNA position 677, G replaced by A.
Protein change: p.Arg226His; replaces arginine 226 with histidine.
Molecular consequence: missense variant.
Genome position (GRCh38, 1-based): chr18:2,688,432, G>A. VCF-style: chr18-2688432-G-A. GRCh37 (hg19) VCF-style: chr18-2688430-G-A.
Other names: c.677G>A (NM_015295.2); short protein forms R226H.
Identifiers: ClinVar variation 1440991 (VCV001440991.36), dbSNP rs1012435079, ClinGen allele CA295469169.

ClinVar aggregate classification (germline): Uncertain significance. Review status: criteria provided, multiple submitters, no conflicts (2 of 4 stars). 4 submissions from 4 submitters: Uncertain significance (4). Last evaluated 2025-08-18.

Conditions:
Inborn genetic diseases. Identifiers: MedGen C0950123, MeSH D030342.
Facioscapulohumeral muscular dystrophy 2 (FSHD2). Also called: FACIOSCAPULOHUMERAL MUSCULAR DYSTROPHY 2, DIGENIC; FSHD2, DIGENIC; MUSCULAR DYSTROPHY, FACIOSCAPULOHUMERAL, TYPE 1B. Identifiers: Orphanet 269, MedGen C1834671, MONDO:0008031, OMIM 158901.

Allele frequency attached by ClinVar (database versions not stated): gnomAD exomes 0.00001; gnomAD 0.00003; TOPMed 0.00004.
gnomAD v4.1: 19 of 1,613,594 alleles (0.0012%); highest among the groups gnomAD compares: East Asian, 0.0022%; no homozygotes.

Submissions (4):

Labcorp Genetics (formerly Invitae), Labcorp
Classification: Uncertain significance for Facioscapulohumeral muscular dystrophy 2. Last evaluated: 2025-08-18. Review status: criteria provided, single submitter. Criteria: Invitae Variant Classification Sherloc (09022015). Collection method: clinical testing. Allele origin: germline.
Comment: This sequence change replaces arginine, which is basic and polar, with histidine, which is basic and polar, at codon 226 of the SMCHD1 protein (p.Arg226His). This variant is present in population databases (no rsID available, gnomAD 0.005%). This variant has not been reported in the literature in individuals affected with SMCHD1-related conditions. ClinVar contains an entry for this variant (Variation ID: 1440991). Invitae Evidence Modeling of protein sequence and biophysical properties (such as structural, functional, and spatial information, amino acid conservation, physicochemical variation, residue mobility, and thermodynamic stability) indicates that this missense variant is not expected to disrupt SMCHD1 protein function with a negative predictive value of 80%. In summary, the available evidence is currently insufficient to determine the role of this variant in disease. Therefore, it has been classified as a Variant of Uncertain Significance.

Ambry Genetics
Classification: Uncertain significance for Inborn genetic diseases. Last evaluated: 2024-12-23. Review status: criteria provided, single submitter. Criteria: Ambry Variant Classification Scheme 2023. Collection method: clinical testing. Allele origin: germline.

Revvity Omics, Revvity
Classification: Uncertain significance. Last evaluated: 2023-03-28. Review status: criteria provided, single submitter. Criteria: ACMG Guidelines, 2015. Collection method: clinical testing. Allele origin: germline.

CeGaT Center for Human Genetics Tuebingen
Classification: Uncertain significance. Last evaluated: 2022-12-01. Review status: criteria provided, single submitter. Criteria: CeGaT Center For Human Genetics Tuebingen Variant Classification Criteria Version 2. Collection method: clinical testing. Allele origin: germline. Affected: yes. Observed: 1 variant allele.
Comment: SMCHD1: PM2